The following is an entry in ClinVar:

ClinVar aggregate classification (germline): Uncertain significance. Review status: criteria provided, multiple submitters, no conflicts (2 of 4 stars). 2 submissions from 2 submitters: Uncertain significance (2). Last evaluated 2026-01-14.

Conditions:
Nemaline myopathy 9 (NEM9). Identifiers: MedGen C3810384, MONDO:0014326, OMIM 615731.
Inborn genetic diseases. Identifiers: MedGen C0950123, MeSH D030342.

Allele frequency attached by ClinVar (database versions not stated): TOPMed 0.00005; gnomAD 0.00007 and 0.00009.
gnomAD v4.1: 99 of 1,585,526 alleles (0.0062%); highest among the groups gnomAD compares: Middle Eastern, 0.1%; 1 homozygote.

Submissions (2):

Labcorp Genetics (formerly Invitae), Labcorp
Classification: Uncertain significance for Nemaline myopathy 9. Last evaluated: 2026-01-14. Review status: criteria provided, single submitter. Criteria: Invitae Variant Classification Sherloc (09022015). Collection method: clinical testing. Allele origin: germline.
Comment: This sequence change replaces tyrosine, which is neutral and polar, with histidine, which is basic and polar, at codon 571 of the KLHL41 protein (p.Tyr571His). This variant is present in population databases (rs758684130, gnomAD 0.01%). This variant has not been reported in the literature in individuals affected with KLHL41-related conditions. ClinVar contains an entry for this variant (Variation ID: 1040900). An algorithm developed to predict the effect of missense changes on protein structure and function (PolyPhen-2) suggests that this variant is likely to be disruptive. In summary, the available evidence is currently insufficient to determine the role of this variant in disease. Therefore, it has been classified as a Variant of Uncertain Significance.

Ambry Genetics
Classification: Uncertain significance for Inborn genetic diseases. Last evaluated: 2025-01-03. Review status: criteria provided, single submitter. Criteria: Ambry Variant Classification Scheme 2023. Collection method: clinical testing. Allele origin: germline.

NM_006063.3(KLHL41):c.1711T>C (p.Tyr571His)

Gene: KLHL41 (kelch like family member 41; plus strand). Cytogenetic location: 2q31.1.
Variant type: single nucleotide variant.
Coding change: c.1711T>C on transcript NM_006063.3 (MANE Select); coding-DNA position 1711, T replaced by C.
Protein change: p.Tyr571His; replaces tyrosine 571 with histidine.
Molecular consequence: missense variant.
Genome position (GRCh38, 1-based): chr2:169,525,586, T>C. VCF-style: chr2-169525586-T-C. GRCh37 (hg19) VCF-style: chr2-170382096-T-C.
Other names: c.1711T>C (NM_006063.2); short protein forms Y571H.
Identifiers: ClinVar variation 1040900 (VCV001040900.6), dbSNP rs758684130, ClinGen allele CA1956748.
Genomic context (GRCh38, chr2:169,525,586, plus strand): 5'-CACAGGGAAACCTATGGAACTAAAGCTGCTTATTGATTACTTTTTTTTTCCTCCATCAGG[T>C]ATGAAGATGATAAAAAAGAATGGGCTGGGATGTTGAAGGAAATACGTTATGCTTCAGGAG-3'
Protein context (NP_006054.2, residues 561-581): APTEVNDIWK[Tyr571His]EDDKKEWAGM